The following is an entry in ClinVar:

ClinVar aggregate classification (germline): Pathogenic/Likely pathogenic. Review status: criteria provided, multiple submitters, no conflicts (2 of 4 stars). 3 submissions from 3 submitters: Pathogenic (1); Likely pathogenic (2). Last evaluated 2023-05-03.

Conditions:
CABP4-related disorder. Also called: CABP4-related condition.
Cone-rod synaptic disorder, congenital nonprogressive. Also called: NIGHT BLINDNESS, CONGENITAL STATIONARY, INCOMPLETE, AUTOSOMAL RECESSIVE. Identifiers: Orphanet 215, MedGen C4041558, MONDO:0012490, OMIM 610427.

Allele frequency attached by ClinVar (database versions not stated): gnomAD 0.00001; TOPMed 0.00001; ExAC 0.00004; 1000 Genomes Project 0.00020; 1000 Genomes Project 30x 0.00031.
gnomAD v4.1: 10 of 1,601,746 alleles (0.00062%); highest among the groups gnomAD compares: East Asian, 0.0022%; no homozygotes.

Submissions (3):

Department of Pathology and Laboratory Medicine, Sinai Health System
Classification: Likely pathogenic for Cone-rod synaptic disorder, congenital nonprogressive. Last evaluated: 2023-05-03. Review status: criteria provided, single submitter. Criteria: ACMG Guidelines, 2015. Collection method: research. Allele origin: germline.

Labcorp Genetics (formerly Invitae), Labcorp
Classification: Pathogenic. Last evaluated: 2022-08-26. Review status: criteria provided, single submitter. Criteria: Invitae Variant Classification Sherloc (09022015). Collection method: clinical testing. Allele origin: germline.
Comment: This sequence change creates a premature translational stop signal (p.Arg49*) in the CABP4 gene. It is expected to result in an absent or disrupted protein product. Loss-of-function variants in CABP4 are known to be pathogenic (PMID: 25307992). For these reasons, this variant has been classified as Pathogenic. This premature translational stop signal has been observed in individual(s) with clinical features of cone-rod synaptic disorder (PMID: 28559085). This variant is present in population databases (rs199636248, gnomAD 0.01%).

Blueprint Genetics
Classification: Likely pathogenic for CABP4-related disorders. Last evaluated: 2022-08-23. Review status: criteria provided, single submitter. Criteria: ACMG Guidelines, 2015. Collection method: clinical testing. Allele origin: germline. Affected: yes. Observed: 3 variant alleles.

Literature cited by the submitters: PubMed 25307992 (cited by Labcorp Genetics (formerly Invitae), Labcorp); PubMed 28559085 (cited by Labcorp Genetics (formerly Invitae), Labcorp).

NM_145200.5(CABP4):c.145C>T (p.Arg49Ter)

Gene: CABP4 (calcium binding protein 4; plus strand). Cytogenetic location: 11q13.2.
Variant type: single nucleotide variant.
Coding change: c.145C>T on transcript NM_145200.5 (MANE Select); coding-DNA position 145, C replaced by T.
Protein change: p.Arg49Ter; replaces arginine 49 with a stop codon.
Molecular consequence: nonsense. On other transcripts: 5 prime UTR variant (2), non-coding transcript variant (1), intron variant (1).
Genome position (GRCh38, 1-based): chr11:67,455,568, C>T. VCF-style: chr11-67455568-C-T. GRCh37 (hg19) VCF-style: chr11-67223039-C-T.
Other names: c.-239C>T (NM_001300895.3); c.-253C>T (NM_001379183.1); c.-112-141C>T (NM_001300896.3); short protein forms R49*.
Identifiers: ClinVar variation 2152116 (VCV002152116.6), dbSNP rs199636248, ClinGen allele CA6140078.